The following is an entry in ClinVar:

NM_053025.4(MYLK):c.5477C>T (p.Ala1826Val)

Genes: MYLK (myosin light chain kinase; minus strand), MYLK-AS1 (MYLK antisense RNA 1; plus strand). Cytogenetic location: 3q21.1.
Variant type: single nucleotide variant.
Coding change: c.5477C>T on transcript NM_053025.4 (MANE Select); coding-DNA position 5477, C replaced by T.
Protein change: p.Ala1826Val; replaces alanine 1826 with valine.
Molecular consequence: missense variant.
Genome position (GRCh38, 1-based): chr3:123,618,662, G>A on the plus strand (C>T on the coding strand, the complement: MYLK is on the minus strand). VCF-style: chr3-123618662-G-A. GRCh37 (hg19) VCF-style: chr3-123337509-G-A.
Other names: c.4949C>T, p.Ala1650Val (NM_001321309.2); c.5270C>T, p.Ala1757Val (NM_053026.4); c.5324C>T, p.Ala1775Val (NM_053027.4); c.5117C>T, p.Ala1706Val (NM_053028.4); c.194C>T, p.Ala65Val (NM_053031.4); c.197C>T, p.Ala66Val (NM_053032.4); short protein forms A1826V, A1706V, A1757V, A65V, A66V, A1650V, A1775V.
Identifiers: ClinVar variation 252775 (VCV000252775.76), dbSNP rs147187907, ClinGen allele CA073013.

ClinVar aggregate classification (germline): Conflicting classifications of pathogenicity. Review status: criteria provided, conflicting classifications (1 of 4 stars). 15 submissions from 15 submitters: Uncertain significance (8); Likely benign (2). 5 of the submissions do not count toward it. Last evaluated 2026-02-02.

Conditions:
MYLK-related disorder. Also called: MYLK-related condition.
Familial thoracic aortic aneurysm and aortic dissection (TAAD). Also called: Thoracic aortic aneurysms and dissections. Identifiers: Orphanet 91387, MedGen C4707243, MONDO:0019625.
Aortic aneurysm, familial thoracic 7 (AAT7). Also called: AORTIC DISSECTION, FAMILIAL, WITH OR WITHOUT AORTIC ANEURYSM. Identifiers: MedGen C3151077, MONDO:0013418, OMIM 613780.

Allele frequency attached by ClinVar (database versions not stated): gnomAD 0.00022 and 0.00023; ExAC 0.00028; gnomAD exomes 0.00029 and 0.00064; TOPMed 0.00033; ESP Exome Variant Server 0.00062.
gnomAD v4.1: 953 of 1,613,984 alleles (0.059%); highest among the groups gnomAD compares: Middle Eastern, 0.099%; 1 homozygote.

Submissions (15):

Labcorp Genetics (formerly Invitae), Labcorp
Classification: Likely benign for Aortic aneurysm, familial thoracic 7. Last evaluated: 2026-02-02. Review status: criteria provided, single submitter. Criteria: Invitae Variant Classification Sherloc (09022015). Collection method: clinical testing. Allele origin: germline.

Ambry Genetics
Classification: Uncertain significance for Familial thoracic aortic aneurysm and aortic dissection. Last evaluated: 2026-01-09. Review status: criteria provided, single submitter. Criteria: Ambry Variant Classification Scheme 2023. Collection method: clinical testing. Allele origin: germline.

ARUP Laboratories, Molecular Genetics and Genomics, ARUP Laboratories
Classification: Uncertain significance. Last evaluated: 2025-07-15. Review status: criteria provided, single submitter. Criteria: ARUP Molecular Germline Variant Investigation Process 2024. Collection method: clinical testing. Allele origin: germline.
Comment: The MYLK c.5477C>T; p.Ala1826Val variant (rs147187907) is reported in the literature in an individual with a suspected heritable thoracic aortic disorder, but without clear association with disease (Overwater 2018). This variant is reported in ClinVar (Variation ID: 252775) and is found in the general population with an overall allele frequency of 0.028% (78/282626 alleles) in the Genome Aggregation Database. Computational analyses are uncertain whether this variant is neutral or deleterious (REVEL: 0.342). Given the lack of clinical and functional data, the significance of the p.Ala1826Val variant is uncertain at this time. References: Overwater E et al. Results of next-generation sequencing gene panel diagnostics including copy-number variation analysis in 810 patients suspected of heritable thoracic aortic disorders. Hum Mutat. 2018 Sep;39(9):1173-1192. PMID: 29907982.

GeneDx
Classification: Uncertain significance. Last evaluated: 2025-01-02. Review status: criteria provided, single submitter. Criteria: GeneDx Variant Classification Process June 2021. Collection method: clinical testing. Allele origin: germline. Affected: yes.
Comment: Identified in conjunction with a COL3A1 variant in an infant with a borderline aortic aneurysm; this proband's father, who had a thoracic aortic aneurysm (TAA), was found to be heterozygous for both variants (PMID: 29907982); In silico analysis supports that this missense variant has a deleterious effect on protein structure/function; This variant is associated with the following publications: (PMID: 29961567, 29907982)

Blueprint Genetics
Classification: Likely benign. Last evaluated: 2024-10-04. Review status: criteria provided, single submitter. Criteria: ACMG Guidelines, 2015. Collection method: clinical testing. Allele origin: germline.

Women's Health and Genetics/Laboratory Corporation of America, LabCorp
Classification: Uncertain significance. Last evaluated: 2024-08-27. Review status: criteria provided, single submitter. Criteria: LabCorp Variant Classification Summary - May 2015. Collection method: clinical testing. Allele origin: germline.
Comment: Variant summary: MYLK c.5477C>T (p.Ala1826Val) results in a non-conservative amino acid change located in the Immunoglobulin-like domain of the encoded protein sequence. Four of five in-silico tools predict a damaging effect of the variant on protein function. The variant allele was found at a frequency of 0.00029 in 251230 control chromosomes, predominantly at a frequency of 0.00049 within the Non-Finnish European subpopulation in the gnomAD database. The observed variant frequency within Non-Finnish European control individuals in the gnomAD database is approximately 200 fold of the estimated maximal expected allele frequency for a pathogenic variant in MYLK causing Aortopathy phenotype (2.5e-06). However, this data must be interpreted with caution as the sequencing techology utalized does not distinguish between this gene and highly homologous pseudogenes. c.5477C>T has been reported in the literature in individuals with suspected Hereditary Thoracic Aortic Disease (Overwater_2018). This report does not provide an unequivocal conclusion about association of the variant with Aortopathy. One publication reports experimental evidence evaluating an impact on protein function, however, does not allow convincing conclusions about the variant effect (Kwartler_2018). The following publications have been ascertained in the context of this evaluation (PMID: 29907982, 29961567). ClinVar contains an entry for this variant (Variation ID: 252775). Based on the evidence outlined above, the variant was classified as uncertain significance.

CeGaT Center for Human Genetics Tuebingen
Classification: Uncertain significance. Last evaluated: 2023-12-01. Review status: criteria provided, single submitter. Criteria: CeGaT Center For Human Genetics Tuebingen Variant Classification Criteria Version 2. Collection method: clinical testing. Allele origin: germline. Affected: yes. Observed: 1 variant allele.

Illumina Laboratory Services, Illumina
Classification: Uncertain significance for Aortic aneurysm, familial thoracic 7. Last evaluated: 2018-01-13. Review status: criteria provided, single submitter. Criteria: ICSL Variant Classification Criteria 13 December 2019. Collection method: clinical testing. Allele origin: germline.

Eurofins Ntd Llc (ga)
Classification: Uncertain significance. Last evaluated: 2017-03-07. Review status: criteria provided, single submitter. Criteria: EGL Classification Definitions 2015. Collection method: clinical testing. Allele origin: germline. Observed: 1 variant allele, 1 heterozygote.

Genomic Diagnostic Laboratory, Division of Genomic Diagnostics, Children's Hospital of Philadelphia
Classification: Uncertain significance for Familial thoracic aortic aneurysm and aortic dissection. Last evaluated: 2015-12-17. Review status: criteria provided, single submitter. Criteria: DGD Variant Analysis Guidelines. Collection method: clinical testing. Allele origin: unknown.

PreventionGenetics, part of Exact Sciences
Classification: Uncertain significance for MYLK-related condition. Last evaluated: 2024-03-09. Review status: no assertion criteria provided. Collection method: clinical testing. Allele origin: germline. Not counted in ClinVar's aggregate classification.
Comment: The MYLK c.5477C>T variant is predicted to result in the amino acid substitution p.Ala1826Val. This variant was reported as uncertain significance in an individual suspected of thoracic aortic disorder and in an individual with vascular type Ehlers-Danlos syndrome (Patient #69 in Table S1, Overwater et al. 2018. PubMed ID: 29907982; Table S10, Vandersteen et al. 2024. PubMed ID: 37813462). Functional studies suggested that this variant does not impact normal protein function (Figure 1B, Kwartler et al. 2018. PubMed ID: 29961567). This variant is reported in 0.046% of alleles in individuals of European (Non-Finnish) descent in gnomAD. At this time, the clinical significance of this variant is uncertain due to the absence of conclusive functional and genetic evidence.

Department of Pathology and Laboratory Medicine, Sinai Health System
Classification: Uncertain significance. Review status: no assertion criteria provided. Collection method: clinical testing. Allele origin: unknown. Affected: yes. Study: The Canadian Open Genetics Repository (COGR). Not counted in ClinVar's aggregate classification.
Comment: The MYLK p.Ala1706Val variant was not identified in the literature nor was it identified in Cosmic. The variant was identified in dbSNP (ID: rs147187907), LOVD 3.0 (classified as a VUS) and in ClinVar (classified as a VUS by Invitae, GeneDx, Illumina, Ambry Genetics, EGL Genetic Diagnostics and the Division of Genomic Diagnostics at The Children's Hospital of Philadelphia). The variant was also identified in control databases in 78 of 282626 chromosomes at a frequency of 0.000276 (Genome Aggregation Database Feb 27, 2017). The variant was observed in the following populations: European (non-Finnish) in 59 of 128966 chromosomes (freq: 0.000458), South Asian in 10 of 30614 chromosomes (freq: 0.000327), African in 4 of 24968 chromosomes (freq: 0.00016), Other in 1 of 7212 chromosomes (freq: 0.000139), Latino in 3 of 35436 chromosomes (freq: 0.000085) and European (Finnish) in 1 of 25122 chromosomes (freq: 0.00004), but was not observed in the Ashkenazi Jewish or East Asian populations. The p.Ala1706 residue is conserved in mammals and computational analyses (PolyPhen-2, SIFT, AlignGVGD, BLOSUM, MutationTaster) provide inconsistent predictions regarding the impact to the protein; this information is not very predictive of pathogenicity. The variant occurs outside of the splicing consensus sequence and in silico or computational prediction software programs (SpliceSiteFinder, MaxEntScan, NNSPLICE, GeneSplicer) do not predict a difference in splicing. In summary, based on the above information the clinical significance of this variant cannot be determined with certainty at this time. This variant is classified as a variant of uncertain significance.

Genome Diagnostics Laboratory, Amsterdam University Medical Center
Classification: Uncertain significance. Review status: no assertion criteria provided. Collection method: clinical testing. Allele origin: germline. Affected: yes. Study: VKGL Data-share Consensus. Not counted in ClinVar's aggregate classification.

Genome Diagnostics Laboratory, University Medical Center Utrecht
Classification: Uncertain significance. Review status: no assertion criteria provided. Collection method: clinical testing. Allele origin: germline. Affected: yes. Study: VKGL Data-share Consensus. Not counted in ClinVar's aggregate classification.

Joint Genome Diagnostic Labs from Nijmegen and Maastricht, Radboudumc and MUMC+
Classification: Uncertain significance. Review status: no assertion criteria provided. Collection method: clinical testing. Allele origin: germline. Affected: yes. Study: VKGL Data-share Consensus. Not counted in ClinVar's aggregate classification.

Literature cited by the submitters: PubMed 29907982 (cited by Women's Health and Genetics/Laboratory Corporation of America, LabCorp); PubMed 29961567 (cited by Women's Health and Genetics/Laboratory Corporation of America, LabCorp).